The following is an entry in ClinVar:

NM_001371904.1(APOA5):c.979G>C (p.Glu327Gln)

Gene: APOA5 (apolipoprotein A5; minus strand). Cytogenetic location: 11q23.3.
Variant type: single nucleotide variant.
Coding change: c.979G>C on transcript NM_001371904.1 (MANE Select); coding-DNA position 979, G replaced by C.
Protein change: p.Glu327Gln; replaces glutamic acid 327 with glutamine.
Molecular consequence: missense variant.
Genome position (GRCh38, 1-based): chr11:116,790,250, C>G on the plus strand (G>C on the coding strand, the complement: APOA5 is on the minus strand). VCF-style: chr11-116790250-C-G. GRCh37 (hg19) VCF-style: chr11-116660966-C-G.
Other names: c.979G>C, p.Glu327Gln (NM_001166598.2, NM_052968.5); short protein forms E327Q.
Identifiers: ClinVar variation 1940036 (VCV001940036.5), dbSNP rs1254507213, ClinGen allele CA382734642.
Genomic context (GRCh38, chr11:116,790,250, plus strand): 5'-GGTCATCCAGACGGGCCTGCAGCTTGCTCAGAACCTTGCCACTGTCTGTTTGTTGAAACT[C>G]TGGGGCGAAGGCACTGTGGCCTGGTGGAGGTGGCGCCAGCTGCTGCTGGACCTCCTCAGT-3'
Protein context (NP_001358833.1, residues 317-337): PPPGHSAFAP[Glu327Gln]FQQTDSGKVL

ClinVar aggregate classification (germline): Uncertain significance (1 of 4 stars; one submission).

Allele frequency attached by ClinVar (database versions not stated): gnomAD exomes below 0.00001; TOPMed below 0.00001.

Submission:

Labcorp Genetics (formerly Invitae), Labcorp
Classification: Uncertain significance. Last evaluated: 2022-06-22. Review status: criteria provided, single submitter. Criteria: Invitae Variant Classification Sherloc (09022015). Collection method: clinical testing. Allele origin: germline.
Comment: This sequence change replaces glutamic acid, which is acidic and polar, with glutamine, which is neutral and polar, at codon 327 of the APOA5 protein (p.Glu327Gln). In summary, the available evidence is currently insufficient to determine the role of this variant in disease. Therefore, it has been classified as a Variant of Uncertain Significance. Algorithms developed to predict the effect of missense changes on protein structure and function are either unavailable or do not agree on the potential impact of this missense change (SIFT: "Deleterious"; PolyPhen-2: "Possibly Damaging"; Align-GVGD: "Class C0"). This variant has not been reported in the literature in individuals affected with APOA5-related conditions. This variant is present in population databases (no rsID available, gnomAD 0.003%).